The following is an entry in ClinVar:

ClinVar aggregate classification (germline): Likely benign. Review status: reviewed by expert panel (3 of 4 stars). 2 submissions from 2 submitters: Likely benign (1). 1 of the submissions does not count toward it. Last evaluated 2024-09-10.

Conditions:
Hereditary thrombocytopenia and hematologic cancer predisposition syndrome. Identifiers: Orphanet 71290, MedGen CN281654, MONDO:0011071.
Hereditary thrombocytopenia and hematological cancer predisposition syndrome associated with RUNX1. Also called: RUNX1 Familial Platelet Disorder with Associated Myeloid Malignancies; Familial Platelet Disorder with Propensity to Acute Myelogenous Leukemia; Familial thrombocytopenia with propensity to acute myelogenous leukemia; PLATELET DISORDER, ASPIRIN-LIKE. Identifiers: Orphanet 71290, MedGen C1832388, MeSH C563324, MONDO:0100083, OMIM 601399.

gnomAD v4.1: 1 of 1,613,956 alleles (0.000062%); highest among the groups gnomAD compares: South Asian, 0.0011%; no homozygotes.

Submissions (2):

ClinGen Myeloid Malignancy Variant Curation Expert Panel
Classification: Likely benign for Hereditary thrombocytopenia and hematologic cancer predisposition syndrome. Last evaluated: 2024-09-10. Review status: reviewed by expert panel. Criteria: ClinGen MyeloMalig ACMG Specifications v2. Collection method: curation. Allele origin: germline. Inheritance: Autosomal dominant inheritance.
Comment: NM_001754.5(RUNX1):c.36G>T (p.Ser12=) is a synonymous variant which has a SpliceAI score ≤ 0.20 (0.06) (BP4). This variant has a SpliceAI score ≤ 0.20 (0.06) and evolutionary conservation algorithms predict the site as not being conserved (PhyloP score ≤ 2.0 (-0.11)) (BP7). This variant is completely absent from all population databases with at least 20x coverage for RUNX1 (PM2_Supporting). In summary, this variant meets criteria to be classified as likely benign. ACMG/AMP criteria applied, as specified by the Myeloid Malignancy Variant Curation Expert Panel for RUNX1: BP4, BP7, PM2_supporting.

Labcorp Genetics (formerly Invitae), Labcorp
Classification: Likely benign for Hereditary thrombocytopenia and hematological cancer predisposition syndrome associated with RUNX1. Last evaluated: 2021-08-31. Review status: criteria provided, single submitter. Criteria: Invitae Variant Classification Sherloc (09022015). Collection method: clinical testing. Allele origin: germline. Not counted in ClinVar's aggregate classification.

NM_001754.5(RUNX1):c.36G>T (p.Ser12=)

Gene: RUNX1 (RUNX family transcription factor 1; minus strand). Cytogenetic location: 21q22.12.
Variant type: single nucleotide variant.
Coding change: c.36G>T on transcript NM_001754.5 (MANE Select); coding-DNA position 36, G replaced by T.
Protein change: p.Ser12=; no amino-acid change (serine 12 retained).
Molecular consequence: synonymous variant.
Genome position (GRCh38, 1-based): chr21:35,048,864, C>A on the plus strand (G>T on the coding strand, the complement: RUNX1 is on the minus strand). VCF-style: chr21-35048864-C-A. GRCh37 (hg19) VCF-style: chr21-36421161-C-A.
Other names: NM_001754.5(RUNX1):c.36G>T; p.Ser12=.
Identifiers: ClinVar variation 1602199 (VCV001602199.9), dbSNP rs201490575, ClinGen allele CA10014728.